The following is an entry in ClinVar:

ClinVar aggregate classification (germline): Conflicting classifications of pathogenicity. Review status: criteria provided, conflicting classifications (1 of 4 stars). 6 submissions from 6 submitters: Uncertain significance (5); Likely benign (1). Last evaluated 2026-05-06.

Conditions:
MYPN-related disorder. Also called: MYPN-related condition.
Cardiovascular phenotype. Identifiers: MedGen CN230736.
Dilated cardiomyopathy 1KK (CMD1KK). Identifiers: Orphanet 154, Orphanet 75249, MedGen C3714995, MONDO:0014100, OMIM 615248.

Allele frequency attached by ClinVar (database versions not stated): ExAC 0.00001; gnomAD exomes 0.00001; gnomAD 0.00002; TOPMed 0.00002.
gnomAD v4.1: 7 of 1,614,038 alleles (0.00043%); highest among the groups gnomAD compares: East Asian, 0.011%; no homozygotes.

Submissions (6):

PreventionGenetics, part of Exact Sciences
Classification: Uncertain significance for MYPN-related condition. Last evaluated: 2026-05-06. Review status: criteria provided, single submitter. Criteria: ACMG Guidelines, 2015. Collection method: clinical testing. Allele origin: germline.
Comment: The MYPN c.3350C>T variant is predicted to result in the amino acid substitution p.Ala1117Val. This variant has been reported as a variant of uncertain significance in an individual with unexplained cardiac arrest (Table S5, Grondin et al. 2022. PubMed ID: 35352813). This variant is reported in 0.015% of alleles in individuals of East Asian descent in gnomAD. At this time, the clinical significance of this variant is uncertain due to the absence of conclusive functional and genetic evidence.

Women's Health and Genetics/Laboratory Corporation of America, LabCorp
Classification: Uncertain significance. Last evaluated: 2025-06-10. Review status: criteria provided, single submitter. Criteria: LabCorp Variant Classification Summary - May 2015. Collection method: clinical testing. Allele origin: germline.
Comment: Variant summary: MYPN c.3350C>T (p.Ala1117Val) results in a non-conservative amino acid change in the encoded protein sequence. Algorithms developed to predict the effect of missense changes on protein structure and function are either unavailable or do not agree on the potential impact of this missense change. The variant allele was found at a frequency of 1.2e-05 in 251324 control chromosomes. The available data on variant occurrences in the general population are insufficient to allow any conclusion about variant significance. To our knowledge, no occurrence of c.3350C>T in individuals affected with MYPN-Related Myopathy and no experimental evidence demonstrating its impact on protein function have been reported. ClinVar contains an entry for this variant (Variation ID: 859355). Based on the evidence outlined above, the variant was classified as uncertain significance.

Labcorp Genetics (formerly Invitae), Labcorp
Classification: Uncertain significance for Dilated cardiomyopathy 1KK. Last evaluated: 2022-03-04. Review status: criteria provided, single submitter. Criteria: Invitae Variant Classification Sherloc (09022015). Collection method: clinical testing. Allele origin: germline.
Comment: This sequence change replaces alanine, which is neutral and non-polar, with valine, which is neutral and non-polar, at codon 1117 of the MYPN protein (p.Ala1117Val). This variant is present in population databases (rs762950668, gnomAD 0.02%). This variant has not been reported in the literature in individuals affected with MYPN-related conditions. ClinVar contains an entry for this variant (Variation ID: 859355). Algorithms developed to predict the effect of missense changes on protein structure and function (SIFT, PolyPhen-2, Align-GVGD) all suggest that this variant is likely to be tolerated. In summary, the available evidence is currently insufficient to determine the role of this variant in disease. Therefore, it has been classified as a Variant of Uncertain Significance.

GeneDx
Classification: Uncertain significance. Last evaluated: 2020-08-18. Review status: criteria provided, single submitter. Criteria: GeneDx Variant Classification Process June 2021. Collection method: clinical testing. Allele origin: germline. Affected: yes.
Comment: Has not been previously published as pathogenic or benign to our knowledge; Not observed at a significant frequency in large population cohorts (Lek et al., 2016); In silico analysis supports that this missense variant does not alter protein structure/function; Reported in ClinVar as a variant of uncertain significance (ClinVar Variant ID# 859355; Landrum et al., 2016)

Ambry Genetics
Classification: Uncertain significance for Cardiovascular phenotype. Last evaluated: 2019-03-11. Review status: criteria provided, single submitter. Criteria: Ambry Variant Classification Scheme 2023. Collection method: clinical testing. Allele origin: germline.
Comment: The p.A1117V variant (also known as c.3350C>T), located in coding exon 16 of the MYPN gene, results from a C to T substitution at nucleotide position 3350. The alanine at codon 1117 is replaced by valine, an amino acid with similar properties. This amino acid position is not well conserved in available vertebrate species, and valine is the reference amino acid in other vertebrate species. In addition, this alteration is predicted to be tolerated by in silico analysis. Since supporting evidence is limited at this time, the clinical significance of this alteration remains unclear.

Blueprint Genetics
Classification: Likely benign. Last evaluated: 2018-03-08. Review status: criteria provided, single submitter. Criteria: ACMG Guidelines, 2015. Collection method: clinical testing. Allele origin: germline.

NM_032578.4(MYPN):c.3350C>T (p.Ala1117Val)

Gene: MYPN (myopalladin; plus strand). Cytogenetic location: 10q21.3.
Variant type: single nucleotide variant.
Coding change: c.3350C>T on transcript NM_032578.4 (MANE Select); coding-DNA position 3350, C replaced by T.
Protein change: p.Ala1117Val; replaces alanine 1117 with valine.
Molecular consequence: missense variant. On other transcripts: non-coding transcript variant (2).
Genome position (GRCh38, 1-based): chr10:68,199,432, C>T. VCF-style: chr10-68199432-C-T. GRCh37 (hg19) VCF-style: chr10-69959189-C-T.
Other names: c.3350C>T, p.Ala1117Val (NM_001256267.2); c.2468C>T, p.Ala823Val (NM_001256268.2); short protein forms A823V, A1117V.
Identifiers: ClinVar variation 859355 (VCV000859355.13), dbSNP rs762950668, ClinGen allele CA5523027.
Genomic context (GRCh38, chr10:68,199,432, plus strand): 5'-GTGGTTTACCGCCCCCGGAGCTGACATGGCTACTCAATGGCCAACCTGTGCTACCAGATG[C>T]CTCCCACAAGATGCTGGTCAGGGAGACCGGAGTCCACTCTCTGCTCATTGACCCACTCAC-3'
Protein context (NP_115967.2, residues 1107-1127): LLNGQPVLPD[Ala1117Val]SHKMLVRETG